The following is an entry in ClinVar:

ClinVar aggregate classification (germline): Uncertain significance. Review status: criteria provided, multiple submitters, no conflicts (2 of 4 stars). 3 submissions from 3 submitters: Uncertain significance (3). Last evaluated 2025-04-19.

Conditions:
Congenital myasthenic syndrome 8. Also called: MYASTHENIC SYNDROME, CONGENITAL, DUE TO AGRIN DEFICIENCY; Myasthenic syndrome, congenital, 8, with pre- and postsynaptic defects. Identifiers: Orphanet 590, MedGen C3808739, MONDO:0014052, OMIM 615120.
AGRN-related disorder. Also called: AGRN-related condition.
Inborn genetic diseases. Identifiers: MedGen C0950123, MeSH D030342.

Allele frequency attached by ClinVar (database versions not stated): gnomAD 0.00003; gnomAD exomes 0.00004; TOPMed 0.00004; ExAC 0.00012.
gnomAD v4.1: 65 of 1,595,602 alleles (0.0041%); highest among the groups gnomAD compares: East Asian, 0.038%; no homozygotes.

Submissions (3):

Ambry Genetics
Classification: Uncertain significance for Inborn genetic diseases. Last evaluated: 2025-04-19. Review status: criteria provided, single submitter. Criteria: Ambry Variant Classification Scheme 2023. Collection method: clinical testing. Allele origin: germline.

Labcorp Genetics (formerly Invitae), Labcorp
Classification: Uncertain significance for Congenital myasthenic syndrome 8. Last evaluated: 2024-08-07. Review status: criteria provided, single submitter. Criteria: Invitae Variant Classification Sherloc (09022015). Collection method: clinical testing. Allele origin: germline.
Comment: This sequence change replaces arginine, which is basic and polar, with cysteine, which is neutral and slightly polar, at codon 1580 of the AGRN protein (p.Arg1580Cys). This variant is present in population databases (rs756579775, gnomAD 0.01%). This variant has not been reported in the literature in individuals affected with AGRN-related conditions. ClinVar contains an entry for this variant (Variation ID: 1058944). An algorithm developed to predict the effect of missense changes on protein structure and function (PolyPhen-2) suggests that this variant is likely to be disruptive. In summary, the available evidence is currently insufficient to determine the role of this variant in disease. Therefore, it has been classified as a Variant of Uncertain Significance.

PreventionGenetics, part of Exact Sciences
Classification: Uncertain significance for AGRN-related condition. Last evaluated: 2023-02-17. Review status: criteria provided, single submitter. Criteria: ACMG Guidelines, 2015. Collection method: clinical testing. Allele origin: germline.
Comment: The AGRN c.4738C>T variant is predicted to result in the amino acid substitution p.Arg1580Cys. To our knowledge, this variant has not been reported in the literature. This variant is reported in 0.012% of alleles in individuals of East Asian descent in gnomAD. At this time, the clinical significance of this variant is uncertain due to the absence of conclusive functional and genetic evidence.

NM_198576.4(AGRN):c.4738C>T (p.Arg1580Cys)

Gene: AGRN (agrin; plus strand). Cytogenetic location: 1p36.33.
Variant type: single nucleotide variant.
Coding change: c.4738C>T on transcript NM_198576.4 (MANE Select); coding-DNA position 4738, C replaced by T.
Protein change: p.Arg1580Cys; replaces arginine 1580 with cysteine.
Molecular consequence: missense variant.
Genome position (GRCh38, 1-based): chr1:1,049,789, C>T. VCF-style: chr1-1049789-C-T. GRCh37 (hg19) VCF-style: chr1-985169-C-T.
Other names: c.4738C>T, p.Arg1580Cys (NM_001305275.2); c.4423C>T, p.Arg1475Cys (NM_001364727.2); c.4738C>T (NM_198576.3); short protein forms R1475C, R1580C.
Identifiers: ClinVar variation 1058944 (VCV001058944.9), dbSNP rs756579775, ClinGen allele CA509583.